The following is an entry in ClinVar:

NM_001369.3(DNAH5):c.4087delinsATTACCTGAAACATGAT (p.Glu1363delinsIleThrTer)

Genes: DNAH5 (dynein axonemal heavy chain 5; minus strand), DNAH5-AS1 (DNAH5 antisense RNA 1; plus strand). Cytogenetic location: 5p15.2.
Variant type: Indel.
Coding change: c.4087delinsATTACCTGAAACATGAT on transcript NM_001369.3 (MANE Select); coding-DNA position 4087, G replaced by ATTACCTGAAACATGAT.
Protein change: p.Glu1363delinsIleThrTer.
Molecular consequence: nonsense.
Genome position (GRCh38, 1-based): chr5:13,866,249, C replaced by ATCATGTTTCAGGTAAT on the plus strand (G replaced by ATTACCTGAAACATGAT on the coding strand, the reverse complement: DNAH5 is on the minus strand). VCF-style: chr5-13866249-C-ATCATGTTTCAGGTAAT. GRCh37 (hg19) VCF-style: chr5-13866358-C-ATCATGTTTCAGGTAAT.
Identifiers: ClinVar variation 5010544 (VCV005010544.1).

ClinVar aggregate classification (germline): Pathogenic (1 of 4 stars; one submission).

Conditions:
Primary ciliary dyskinesia 3. Identifiers: Orphanet 244, MedGen C1837618, MONDO:0012085, OMIM 608644.

Submission:

Myriad Genetics, Inc.
Classification: Pathogenic for Primary ciliary dyskinesia 3. Last evaluated: 2024-05-14. Review status: criteria provided, single submitter. Criteria: Myriad Autosomal Dominant, Autosomal Recessive and X-Linked Classification Criteria (2023). Collection method: clinical testing. Allele origin: unknown.
Comment: NM_001369.2(DNAH5):c.4087del1ins17(E1363Ifs*3) is expected to be pathogenic in the context of primary ciliary dyskinesia, DNAH5-related. This variant is predicted to lead to an abnormal or absent protein product due to the creation of a premature termination codon in DNAH5, a gene where loss-of-function variants are known to be pathogenic. Please note: this variant was assessed in the context of healthy population screening.